The following is an entry in ClinVar:

NM_000260.4(MYO7A):c.4771C>T (p.Arg1591Cys)

Gene: MYO7A (myosin VIIA; plus strand). Cytogenetic location: 11q13.5.
Variant type: single nucleotide variant.
Coding change: c.4771C>T on transcript NM_000260.4 (MANE Select); coding-DNA position 4771, C replaced by T.
Protein change: p.Arg1591Cys; replaces arginine 1591 with cysteine.
Molecular consequence: missense variant.
Genome position (GRCh38, 1-based): chr11:77,199,737, C>T. VCF-style: chr11-77199737-C-T. GRCh37 (hg19) VCF-style: chr11-76910782-C-T.
Other names: c.4657C>T, p.Arg1553Cys (NM_001127180.2); c.4624C>T, p.Arg1542Cys (NM_001369365.1); short protein forms R1542C, R1553C, R1591C.
Identifiers: ClinVar variation 2167056 (VCV002167056.1), dbSNP rs766907454, ClinGen allele CA6198539.
Genomic context (GRCh38, chr11:77,199,737, plus strand): 5'-ACGCTGGCCACCATCAAGGGGGACGAATACACCTTCACCTCCAGCAATGCTGAGGACATT[C>T]GTGACCTGGTGGTCACCTTCCTAGAGGGGCTCCGGAAGAGATCTAAGTATGTTGTGGCCC-3'
Protein context (NP_000251.3, residues 1581-1601): TFTSSNAEDI[Arg1591Cys]DLVVTFLEGL

ClinVar aggregate classification (germline): Uncertain significance (1 of 4 stars; one submission).

gnomAD v4.1: 10 of 1,613,390 alleles (0.00062%); highest among the groups gnomAD compares: African/African-American, 0.0013%; no homozygotes.

Submission:

Labcorp Genetics (formerly Invitae), Labcorp
Classification: Uncertain significance. Last evaluated: 2022-01-21. Review status: criteria provided, single submitter. Criteria: Invitae Variant Classification Sherloc (09022015). Collection method: clinical testing. Allele origin: germline.
Comment: This sequence change replaces arginine, which is basic and polar, with cysteine, which is neutral and slightly polar, at codon 1591 of the MYO7A protein (p.Arg1591Cys). This variant is present in population databases (rs766907454, gnomAD 0.002%). This variant has not been reported in the literature in individuals affected with MYO7A-related conditions. Advanced modeling of protein sequence and biophysical properties (such as structural, functional, and spatial information, amino acid conservation, physicochemical variation, residue mobility, and thermodynamic stability) performed at Invitae indicates that this missense variant is not expected to disrupt MYO7A protein function. In summary, the available evidence is currently insufficient to determine the role of this variant in disease. Therefore, it has been classified as a Variant of Uncertain Significance.